The following is an entry in ClinVar:

NM_001278512.2(AP3B2):c.2065A>T (p.Arg689Ter)

Genes: CPEB1-AS1 (CPEB1 antisense RNA 1; plus strand), AP3B2 (adaptor related protein complex 3 subunit beta 2; minus strand). Cytogenetic location: 15q25.2.
Variant type: single nucleotide variant.
Coding change: c.2065A>T on transcript NM_001278512.2 (MANE Select); coding-DNA position 2065, A replaced by T.
Protein change: p.Arg689Ter; replaces arginine 689 with a stop codon.
Molecular consequence: nonsense.
Genome position (GRCh38, 1-based): chr15:82,664,907, T>A on the plus strand (A>T on the coding strand, the complement: AP3B2 is on the minus strand). VCF-style: chr15-82664907-T-A. GRCh37 (hg19) VCF-style: chr15-83333659-T-A.
Other names: c.1912A>T, p.Arg638Ter (NM_001278511.2); c.2008A>T, p.Arg670Ter (NM_004644.5); short protein forms R689*, R638*, R670*.
Identifiers: ClinVar variation 2856699 (VCV002856699.3), dbSNP rs2548698003, ClinGen allele CA393312333.

ClinVar aggregate classification (germline): Pathogenic (1 of 4 stars; one submission).

Submission:

Labcorp Genetics (formerly Invitae), Labcorp
Classification: Pathogenic. Last evaluated: 2024-10-23. Review status: criteria provided, single submitter. Criteria: Invitae Variant Classification Sherloc (09022015). Collection method: clinical testing. Allele origin: germline.
Comment: This sequence change creates a premature translational stop signal (p.Arg670*) in the AP3B2 gene. It is expected to result in an absent or disrupted protein product. Loss-of-function variants in AP3B2 are known to be pathogenic (PMID: 27889060). This variant is not present in population databases (gnomAD no frequency). This variant has not been reported in the literature in individuals affected with AP3B2-related conditions. For these reasons, this variant has been classified as Pathogenic.

Literature cited by the submitters: PubMed 27889060.